The following is an entry in ClinVar:

NM_031885.5(BBS2):c.805-20A>G

Gene: BBS2 (Bardet-Biedl syndrome 2; minus strand). Cytogenetic location: 16q13.
Variant type: single nucleotide variant.
Coding change: c.805-20A>G on transcript NM_031885.5 (MANE Select); 20 bases into the intron before coding-DNA position 805, A replaced by G.
Molecular consequence: intron variant.
Genome position (GRCh38, 1-based): chr16:56,502,828, T>C on the plus strand (A>G on the coding strand, the complement: BBS2 is on the minus strand). VCF-style: chr16-56502828-T-C. GRCh37 (hg19) VCF-style: chr16-56536740-T-C.
Other names: c.805-20A>G (NM_001377456.1).
Identifiers: ClinVar variation 235766 (VCV000235766.27), dbSNP rs41280892, ClinGen allele CA8065911.

ClinVar aggregate classification (germline): Conflicting classifications of pathogenicity. Review status: criteria provided, conflicting classifications (1 of 4 stars). 9 submissions from 9 submitters: Uncertain significance (1); Benign (3); Likely benign (2). 3 of the submissions do not count toward it. Last evaluated 2026-08-01.

Conditions:
BBS2-related disorder. Also called: BBS2-related disorders; BBS2-related condition. Identifiers: MedGen CN239228.
Bardet-Biedl syndrome (BBS). Identifiers: Orphanet 110, MedGen C0752166, MONDO:0015229.
Bardet-Biedl syndrome 1 (BBS1). Identifiers: MedGen C2936862, MONDO:0008854, OMIM 209900. Disease mechanism: loss of function.

Allele frequency attached by ClinVar (database versions not stated): gnomAD 0.00423 and 0.00410; ESP Exome Variant Server 0.00508; 1000 Genomes Project 0.00080; 1000 Genomes Project 30x 0.00109; ExAC 0.00364; gnomAD exomes 0.00416; TOPMed 0.00418.
gnomAD v4.1: 9,132 of 1,613,894 alleles (0.57%); highest among the groups gnomAD compares: Non-Finnish European, 0.62%; 45 homozygotes.

Submissions (9):

CeGaT Center for Human Genetics Tuebingen
Classification: Likely benign. Last evaluated: 2026-08-01. Review status: criteria provided, single submitter. Criteria: CeGaT Center For Human Genetics Tuebingen Variant Classification Criteria Version 2. Collection method: clinical testing. Allele origin: germline. Affected: yes. Observed: 3 variant alleles.
Comment: BBS2: BS2

Labcorp Genetics (formerly Invitae), Labcorp
Classification: Benign for Bardet-Biedl syndrome. Last evaluated: 2026-02-04. Review status: criteria provided, single submitter. Criteria: Invitae Variant Classification Sherloc (09022015). Collection method: clinical testing. Allele origin: germline.

PreventionGenetics, part of Exact Sciences
Classification: Benign for BBS2-related condition. Last evaluated: 2025-12-04. Review status: criteria provided, single submitter. Criteria: ACMG Guidelines, 2015. Collection method: clinical testing. Allele origin: germline.
Comment: This variant is classified as benign based on ACMG/AMP sequence variant interpretation guidelines (Richards et al. 2015 PMID: 25741868, with internal and published modifications).

Eurofins Ntd Llc (ga)
Classification: Benign. Last evaluated: 2017-01-24. Review status: criteria provided, single submitter. Criteria: EGL Classification Definitions 2015. Collection method: clinical testing. Allele origin: germline. Observed: 1 variant allele, 1 heterozygote.

Center for Pediatric Genomic Medicine, Children's Mercy Hospital and Clinics
Classification: Uncertain significance. Last evaluated: 2016-05-16. Review status: criteria provided, single submitter. Criteria: ACMG Guidelines, 2015. Collection method: clinical testing. Allele origin: germline.
ClinVar note: Converted during submission from Uncertain Significance to Uncertain significance.

Genome Diagnostics Laboratory, University Medical Center Utrecht
Classification: Likely benign for Bardet-Biedl syndrome 1. Last evaluated: 2015-03-27. Review status: criteria provided, single submitter. Criteria: ACGS Guidelines, 2013. Collection method: clinical testing. Allele origin: germline. Affected: yes. Study: VKGL Data-share Consensus.

Genome Diagnostics Laboratory, Amsterdam University Medical Center
Classification: Benign for Bardet-Biedl syndrome 1. Last evaluated: 2017-04-19. Review status: no assertion criteria provided. Criteria: ACGS Guidelines, 2013. Collection method: clinical testing. Allele origin: germline. Affected: yes. Study: VKGL Data-share Consensus. Not counted in ClinVar's aggregate classification.

Clinical Genetics, Academic Medical Center
Classification: Likely benign. Review status: no assertion criteria provided. Collection method: clinical testing. Allele origin: germline. Affected: yes. Study: VKGL Data-share Consensus. Not counted in ClinVar's aggregate classification.

Laboratory of Diagnostic Genome Analysis, Leiden University Medical Center (LUMC)
Classification: Likely benign. Review status: no assertion criteria provided. Collection method: clinical testing. Allele origin: germline. Affected: yes. Study: VKGL Data-share Consensus. Not counted in ClinVar's aggregate classification.